The following is an entry in ClinVar:

ClinVar aggregate classification (germline): Conflicting classifications of pathogenicity. Review status: criteria provided, conflicting classifications (1 of 4 stars). 3 submissions from 3 submitters: Likely pathogenic (1); Uncertain significance (2). Last evaluated 2026-01-26.

Conditions:
Hypertrophic cardiomyopathy. Also called: HYPERTROPHIC MYOCARDIOPATHY. Identifiers: Orphanet 217569, MedGen C0007194, MeSH D002312, MONDO:0005045, HP:0001639.

gnomAD v4.1: 1 of 1,614,194 alleles (0.000062%); highest among the groups gnomAD compares: Non-Finnish European, 0.000085%; no homozygotes.

Submissions (3):

Labcorp Genetics (formerly Invitae), Labcorp
Classification: Uncertain significance for Hypertrophic cardiomyopathy. Last evaluated: 2026-01-26. Review status: criteria provided, single submitter. Criteria: Invitae Variant Classification Sherloc (09022015). Collection method: clinical testing. Allele origin: germline.
Comment: This sequence change replaces proline, which is neutral and non-polar, with threonine, which is neutral and polar, at codon 127 of the MYH7 protein (p.Pro127Thr). This variant is not present in population databases (gnomAD no frequency). This missense change has been observed in individual(s) with dilated cardiomyopathy and/or left ventricular noncompaction (PMID: 30471092, 31317183). ClinVar contains an entry for this variant (Variation ID: 1335140). Invitae Evidence Modeling of protein sequence and biophysical properties (such as structural, functional, and spatial information, amino acid conservation, physicochemical variation, residue mobility, and thermodynamic stability) indicates that this missense variant is expected to disrupt MYH7 protein function with a positive predictive value of 95%. In summary, the available evidence is currently insufficient to determine the role of this variant in disease. Therefore, it has been classified as a Variant of Uncertain Significance.

GeneDx
Classification: Uncertain significance. Last evaluated: 2024-07-17. Review status: criteria provided, single submitter. Criteria: GeneDx Variant Classification Process June 2021. Collection method: clinical testing. Allele origin: germline. Affected: yes.
Comment: In silico analysis supports that this missense variant has a deleterious effect on protein structure/function; Not observed at significant frequency in large population cohorts (gnomAD); Located in a region enriched with missense variants reported in association with HCM (PMID: 27532257, 29300372); This variant is associated with the following publications: (PMID: 30471092, 27532257, 29300372, 31317183, 34088380)

CeGaT Center for Human Genetics Tuebingen
Classification: Likely pathogenic. Last evaluated: 2021-12-01. Review status: criteria provided, single submitter. Criteria: CeGaT Center For Human Genetics Tuebingen Variant Classification Criteria Version 2. Collection method: clinical testing. Allele origin: germline. Affected: yes. Observed: 1 variant allele.

Literature cited by the submitters: PubMed 30471092 (cited by Labcorp Genetics (formerly Invitae), Labcorp); PubMed 31317183 (cited by Labcorp Genetics (formerly Invitae), Labcorp).

NM_000257.4(MYH7):c.379C>A (p.Pro127Thr)

Gene: MYH7 (myosin heavy chain 7; minus strand). Cytogenetic location: 14q11.2.
Variant type: single nucleotide variant.
Coding change: c.379C>A on transcript NM_000257.4 (MANE Select); coding-DNA position 379, C replaced by A.
Protein change: p.Pro127Thr; replaces proline 127 with threonine.
Molecular consequence: missense variant.
Genome position (GRCh38, 1-based): chr14:23,432,762, G>T on the plus strand (C>A on the coding strand, the complement: MYH7 is on the minus strand). VCF-style: chr14-23432762-G-T. GRCh37 (hg19) VCF-style: chr14-23901971-G-T.
Other names: c.379C>A (NM_000257.2); short protein forms P127T.
Identifiers: ClinVar variation 1335140 (VCV001335140.37), dbSNP rs2138684765, ClinGen allele CA389052945.
Genomic context (GRCh38, chr14:23,432,762, plus strand): 5'-TCTTCTTGCCCCGGTAGGCAGCCACCACCTCAGGAGTGTACACCGGCAGCCACTTGTAAG[G>T]GTTGACGGTGACACAGAAGAGGCCCGAGTAGGTCTGGGGATAGAAAAGGAGCAGTGACTT-3'
Protein context (NP_000248.2, residues 117-137): YSGLFCVTVN[Pro127Thr]YKWLPVYTPE